The following is an entry in ClinVar:

NM_001039141.3(TRIOBP):c.4910C>G (p.Thr1637Ser)

Gene: TRIOBP (TRIO and F-actin binding protein; plus strand). Cytogenetic location: 22q13.1.
Variant type: single nucleotide variant.
Coding change: c.4910C>G on transcript NM_001039141.3 (MANE Select); coding-DNA position 4910, C replaced by G.
Protein change: p.Thr1637Ser; replaces threonine 1637 with serine.
Molecular consequence: missense variant.
Genome position (GRCh38, 1-based): chr22:37,735,246, C>G. VCF-style: chr22-37735246-C-G. GRCh37 (hg19) VCF-style: chr22-38131253-C-G.
Other names: short protein forms T1637S.
Identifiers: ClinVar variation 1223857 (VCV001223857.9), dbSNP rs374217208, ClinGen allele CA10224467.

ClinVar aggregate classification (germline): Uncertain significance. Review status: criteria provided, multiple submitters, no conflicts (2 of 4 stars). 5 submissions from 5 submitters: Uncertain significance (5). Last evaluated 2025-09-29.

Conditions:
Autosomal recessive nonsyndromic hearing loss 28. Identifiers: Orphanet 90636, MedGen C1853276, MONDO:0012355, OMIM 609823.

Allele frequency attached by ClinVar (database versions not stated): ESP Exome Variant Server 0.00008; gnomAD 0.00012 and 0.00015; 1000 Genomes Project 30x 0.00016; ExAC 0.00030.
gnomAD v4.1: 255 of 1,604,026 alleles (0.016%); highest among the groups gnomAD compares: Middle Eastern, 0.13%; no homozygotes.

Submissions (5):

Labcorp Genetics (formerly Invitae), Labcorp
Classification: Uncertain significance. Last evaluated: 2025-09-29. Review status: criteria provided, single submitter. Criteria: Invitae Variant Classification Sherloc (09022015). Collection method: clinical testing. Allele origin: germline.
Comment: This sequence change replaces threonine, which is neutral and polar, with serine, which is neutral and polar, at codon 1637 of the TRIOBP protein (p.Thr1637Ser). This variant is present in population databases (rs374217208, gnomAD 0.1%). This variant has not been reported in the literature in individuals affected with TRIOBP-related conditions. ClinVar contains an entry for this variant (Variation ID: 1223857). An algorithm developed to predict the effect of missense changes on protein structure and function (PolyPhen-2) suggests that this variant is likely to be tolerated. In summary, the available evidence is currently insufficient to determine the role of this variant in disease. Therefore, it has been classified as a Variant of Uncertain Significance.

Blueprint Genetics
Classification: Uncertain significance. Last evaluated: 2024-09-06. Review status: criteria provided, single submitter. Criteria: ACMG Guidelines, 2015. Collection method: clinical testing. Allele origin: germline.

Fulgent Genetics
Classification: Uncertain significance for Autosomal recessive nonsyndromic hearing loss 28. Last evaluated: 2022-04-25. Review status: criteria provided, single submitter. Criteria: ACMG Guidelines, 2015. Collection method: clinical testing. Allele origin: unknown.

GeneDx
Classification: Uncertain significance. Last evaluated: 2020-08-24. Review status: criteria provided, single submitter. Criteria: GeneDx Variant Classification Process June 2021. Collection method: clinical testing. Allele origin: germline. Affected: yes.
Comment: In silico analysis supports that this missense variant does not alter protein structure/function; Has not been previously published as pathogenic or benign to our knowledge

Breakthrough Genomics
Classification: Uncertain significance. Review status: criteria provided, single submitter. Criteria: ACMG Guidelines, 2015. Collection method: not provided. Allele origin: germline. Inheritance: Autosomal dominant inheritance. Affected: yes.